The following is an entry in ClinVar:

NM_001330260.2(SCN8A):c.5336C>T (p.Pro1779Leu)

Gene: SCN8A (sodium voltage-gated channel alpha subunit 8; plus strand). Cytogenetic location: 12q13.13.
Variant type: single nucleotide variant.
Coding change: c.5336C>T on transcript NM_001330260.2 (MANE Select); coding-DNA position 5336, C replaced by T.
Protein change: p.Pro1779Leu; replaces proline 1779 with leucine.
Molecular consequence: missense variant.
Genome position (GRCh38, 1-based): chr12:51,806,822, C>T. VCF-style: chr12-51806822-C-T. GRCh37 (hg19) VCF-style: chr12-52200606-C-T.
Other names: c.5213C>T, p.Pro1738Leu (NM_001177984.3, NM_001369788.1); c.5336C>T, p.Pro1779Leu (NM_014191.4); short protein forms P1738L, P1779L.
Identifiers: ClinVar variation 3339596 (VCV003339596.1).

ClinVar aggregate classification (germline): Uncertain significance (1 of 4 stars; one submission).

gnomAD v4.1: 2 of 1,614,204 alleles (0.00012%); highest among the groups gnomAD compares: Non-Finnish European, 0.00017%; no homozygotes.

Submission:

Women's Health and Genetics/Laboratory Corporation of America, LabCorp
Classification: Uncertain significance. Last evaluated: 2024-06-12. Review status: criteria provided, single submitter. Criteria: LabCorp Variant Classification Summary - May 2015. Collection method: clinical testing. Allele origin: germline.
Comment: Variant summary: SCN8A c.5336C>T (p.Pro1779Leu) results in a non-conservative amino acid change in the encoded protein sequence. Four of five in-silico tools predict a damaging effect of the variant on protein function. The variant allele was found at a frequency of 8e-06 in 251104 control chromosomes. The available data on variant occurrences in the general population are insufficient to allow any conclusion about variant significance. To our knowledge, no occurrence of c.5336C>T in individuals affected with SCN8A-related conditions and no experimental evidence demonstrating its impact on protein function have been reported. No submitters have cited clinical-significance assessments for this variant to ClinVar. Based on the evidence outlined above, the variant was classified as uncertain significance.